The following is an entry in ClinVar:

ClinVar aggregate classification (germline): Conflicting classifications of pathogenicity. Review status: criteria provided, conflicting classifications (1 of 4 stars). 3 submissions from 3 submitters: Likely pathogenic (1); Uncertain significance (1). 1 of the submissions does not count toward it. Last evaluated 2025-02-06.

Conditions:
SOX10-related disorder. Also called: SOX10-related condition.
Waardenburg syndrome type 1 (WS1). Also called: WAARDENBURG SYNDROME WITH DYSTOPIA CANTHORUM; Waardenburg Syndrome Type I. Identifiers: Orphanet 894, MedGen C1847800, MONDO:0008670, OMIM 193500.

Submissions (3):

Labcorp Genetics (formerly Invitae), Labcorp
Classification: Uncertain significance. Last evaluated: 2025-02-06. Review status: criteria provided, single submitter. Criteria: Invitae Variant Classification Sherloc (09022015). Collection method: clinical testing. Allele origin: germline.
Comment: This sequence change replaces methionine, which is neutral and non-polar, with threonine, which is neutral and polar, at codon 112 of the SOX10 protein (p.Met112Thr). This variant is not present in population databases (gnomAD no frequency). This missense change has been observed in individual(s) with clinical features of Waardenburg syndrome (PMID: 34171448). ClinVar contains an entry for this variant (Variation ID: 1065834). Invitae Evidence Modeling of protein sequence and biophysical properties (such as structural, functional, and spatial information, amino acid conservation, physicochemical variation, residue mobility, and thermodynamic stability) has been performed for this missense variant. However, the output from this modeling did not meet the statistical confidence thresholds required to predict the impact of this variant on SOX10 protein function. This variant disrupts the p.Met112 amino acid residue in SOX10. Other variant(s) that disrupt this residue have been determined to be pathogenic (PMID: 21898658, 34171448). This suggests that this residue is clinically significant, and that variants that disrupt this residue are likely to be disease-causing. In summary, the available evidence is currently insufficient to determine the role of this variant in disease. Therefore, it has been classified as a Variant of Uncertain Significance.

Blueprint Genetics
Classification: Likely pathogenic for SOX10-related disorders. Last evaluated: 2019-11-22. Review status: criteria provided, single submitter. Criteria: ACMG Guidelines, 2015. Collection method: clinical testing. Allele origin: germline. Affected: yes. Observed: 1 variant allele.

Department of Clinical Genetics, Copenhagen University Hospital, Rigshospitalet
Classification: Likely pathogenic for Waardenburg syndrome type 1. Last evaluated: 2021-04-26. Review status: no assertion criteria provided. Collection method: clinical testing. Allele origin: germline. Affected: yes. Not counted in ClinVar's aggregate classification.

Literature cited by the submitters: PubMed 34171448 (cited by Labcorp Genetics (formerly Invitae), Labcorp); PubMed 21898658 (cited by Labcorp Genetics (formerly Invitae), Labcorp).

NM_006941.4(SOX10):c.335T>C (p.Met112Thr)

Genes: POLR2F (RNA polymerase II, I and III subunit F; plus strand), SOX10 (SRY-box transcription factor 10; minus strand). Cytogenetic location: 22q13.1.
Variant type: single nucleotide variant.
Coding change: c.335T>C on transcript NM_006941.4 (MANE Select); coding-DNA position 335, T replaced by C.
Protein change: p.Met112Thr; replaces methionine 112 with threonine.
Molecular consequence: missense variant. On other transcripts: intron variant (3).
Genome position (GRCh38, 1-based): chr22:37,983,450, A>G on the plus strand (T>C on the coding strand, the complement: SOX10 is on the minus strand). VCF-style: chr22-37983450-A-G. GRCh37 (hg19) VCF-style: chr22-38379457-A-G.
Other names: c.*38+11140A>G (NM_001363825.1); c.294-2704A>G (NM_001301130.2); c.293+16280A>G (NM_001301131.2); short protein forms M112T.
Identifiers: ClinVar variation 1065834 (VCV001065834.7), dbSNP rs1932463844, ClinGen allele CA411500560.